The following is an entry in ClinVar:

ClinVar aggregate classification (germline): Pathogenic (1 of 4 stars; one submission).

Conditions:
GNE myopathy (NM). Also called: INCLUSION BODY MYOPATHY, HEREDITARY, AUTOSOMAL RECESSIVE; INCLUSION BODY MYOPATHY 2, AUTOSOMAL RECESSIVE; MYOPATHY, DISTAL, WITH OR WITHOUT RIMMED VACUOLES; IBM 2; Inclusion body myopathy autosomal recessive; Inclusion body myopathy quadriceps sparing. Identifiers: Orphanet 602, MedGen C1853926, MONDO:0011603, OMIM 605820.
Sialuria. Also called: SIALURIA, FRENCH TYPE; Sialic Acid Storage Disease. Identifiers: Orphanet 3166, MedGen C0342853, MONDO:0010028, OMIM 269921.

Submission:

Labcorp Genetics (formerly Invitae), Labcorp
Classification: Pathogenic for Sialuria; GNE myopathy. Last evaluated: 2022-07-21. Review status: criteria provided, single submitter. Criteria: Invitae Variant Classification Sherloc (09022015). Collection method: clinical testing. Allele origin: germline.
Comment: This sequence change creates a premature translational stop signal (p.Leu410_Gln411insHisSerLeu*) in the GNE gene. It is expected to result in an absent or disrupted protein product. Loss-of-function variants in GNE are known to be pathogenic (PMID: 24027297). This variant is not present in population databases (gnomAD no frequency). This variant has not been reported in the literature in individuals affected with GNE-related conditions. Algorithms developed to predict the effect of sequence changes on RNA splicing suggest that this variant may disrupt the consensus splice site. For these reasons, this variant has been classified as Pathogenic.

Literature cited by the submitters: PubMed 24027297.

NM_005476.7(GNE):c.1139_1140insTAGCCTATAATTTAACTTTGACAAAGTTATGAAATGGTTTTTCTAATACCTTTTTGAAAAAGTCATGGAGGCCATGGGGTTGGCTTGAAACCAGCTTTGGGGGGTTCGATTCCTTCCTTTTTTGTCTAGATTTTATGTATACGGGTTCTTCGAATGTGTGGTTCA (p.Gln380delinsHisSerLeuTer)

Gene: GNE (glucosamine (UDP-N-acetyl)-2-epimerase/N-acetylmannosamine kinase; minus strand). Cytogenetic location: 9p13.3.
Variant type: Insertion.
Coding change: c.1139_1140insTAGCCTATAATTTAACTTTGACAAAGTTATGAAATGGTTTTTCTAATACCTTTTTGAAAAAGTCATGGAGGCCATGGGGTTGGCTTGAAACCAGCTTTGGGGGGTTCGATTCCTTCCTTTTTTGTCTAGATTTTATGTATACGGGTTCTTCGAATGTGTGGTTCA on transcript NM_005476.7 (MANE Select); coding-DNA positions 1139 to 1140, TAGCCTATAATTTAACTTTGACAAAGTTATGAAATGGTTTTTCTAATACCTTTTTGAAAAAGTCATGGAGGCCATGGGGTTGGCTTGAAACCAGCTTTGGGGGGTTCGATTCCTTCCTTTTTTGTCTAGATTTTATGTATACGGGTTCTTCGAATGTGTGGTTCA inserted.
Protein change: p.Gln380delinsHisSerLeuTer.
Molecular consequence: nonsense.
Genome position: GRCh38: chr9:36,227,393-36,227,394. GRCh37 (hg19): chr9:36,227,390-36,227,391.
Other names: c.1232_1233insTAGCCTATAATTTAACTTTGACAAAGTTATGAAATGGTTTTTCTAATACCTTTTTGAAAAAGTCATGGAGGCCATGGGGTTGGCTTGAAACCAGCTTTGGGGGGTTCGATTCCTTCCTTTTTTGTCTAGATTTTATGTATACGGGTTCTTCGAATGTGTGGTTCA, p.Gln411delinsHisSerLeuTer (NM_001128227.3); c.1139_1140insTAGCCTATAATTTAACTTTGACAAAGTTATGAAATGGTTTTTCTAATACCTTTTTGAAAAAGTCATGGAGGCCATGGGGTTGGCTTGAAACCAGCTTTGGGGGGTTCGATTCCTTCCTTTTTTGTCTAGATTTTATGTATACGGGTTCTTCGAATGTGTGGTTCA, p.Gln380delinsHisSerLeuTer (NM_001190383.3); c.809_810insTAGCCTATAATTTAACTTTGACAAAGTTATGAAATGGTTTTTCTAATACCTTTTTGAAAAAGTCATGGAGGCCATGGGGTTGGCTTGAAACCAGCTTTGGGGGGTTCGATTCCTTCCTTTTTTGTCTAGATTTTATGTATACGGGTTCTTCGAATGTGTGGTTCA, p.Gln270delinsHisSerLeuTer (NM_001190384.3); c.962_963insTAGCCTATAATTTAACTTTGACAAAGTTATGAAATGGTTTTTCTAATACCTTTTTGAAAAAGTCATGGAGGCCATGGGGTTGGCTTGAAACCAGCTTTGGGGGGTTCGATTCCTTCCTTTTTTGTCTAGATTTTATGTATACGGGTTCTTCGAATGTGTGGTTCA, p.Gln321delinsHisSerLeuTer (NM_001190388.2, NM_001374798.1); c.986_987insTAGCCTATAATTTAACTTTGACAAAGTTATGAAATGGTTTTTCTAATACCTTTTTGAAAAAGTCATGGAGGCCATGGGGTTGGCTTGAAACCAGCTTTGGGGGGTTCGATTCCTTCCTTTTTTGTCTAGATTTTATGTATACGGGTTCTTCGAATGTGTGGTTCA, p.Gln329delinsHisSerLeuTer (NM_001374797.1).
Identifiers: ClinVar variation 2018618 (VCV002018618.4), dbSNP rs2489663928, ClinGen allele CA2580080542.